The following is an entry in ClinVar:

ClinVar aggregate classification (germline): Likely pathogenic. Review status: reviewed by expert panel (3 of 4 stars). 10 submissions from 10 submitters: Likely pathogenic (1). 9 of the submissions do not count toward it. Last evaluated 2024-12-03.

Conditions:
MAP2K2-related disorder. Also called: MAP2K2-related condition.
Cardio-facio-cutaneous syndrome. Also called: Cardiofaciocutaneous syndrome; CFC syndrome. Identifiers: Orphanet 1340, MedGen C1275081, MONDO:0015280. Disease mechanism: gain of function.
Noonan syndrome (NS). Also called: Noonan's syndrome. Identifiers: Orphanet 648, MedGen C0028326, MeSH D009634, MONDO:0018997. Disease mechanism: gain of function.
Cardiovascular phenotype. Identifiers: MedGen CN230736.
Cardiofaciocutaneous syndrome 4 (CFC4). Also called: MAP2K2-Related Cardiofaciocutaneous Syndrome. Identifiers: Orphanet 1340, MedGen C3809007, MONDO:0014114, OMIM 615280.
RASopathy. Also called: rasopathies; Noonan spectrum disorder. Identifiers: Orphanet 536391, MedGen C5555857, MONDO:0021060.
Noonan syndrome 1 (NS1). Also called: FEMALE PSEUDO-TURNER SYNDROME; PTPN11-Related Noonan Syndrome; TURNER PHENOTYPE WITH NORMAL KARYOTYPE. Identifiers: Orphanet 648, MedGen C4551602, MONDO:0008104, OMIM 163950. Disease mechanism: gain of function.

Submissions (10):

ClinGen RASopathy Variant Curation Expert Panel
Classification: Likely pathogenic for RASopathy. Last evaluated: 2024-12-03. Review status: reviewed by expert panel. Criteria: ClinGen RASopathy ACMG Specifications MAP2K2 V2.3.0. Collection method: curation. Allele origin: germline. Inheritance: Autosomal dominant inheritance.
Comment: The c.401A>G variant in the MAP2K2 gene is a missense variant predicted to cause substitution of tyrosine by cysteine at amino acid 134 (p.Tyr134Cys). This variant is absent from gnomAD v2.1.1 (PM2_Supporting). The computational predictor REVEL gives a score of 0.966, predicting a damaging impact on protein function (PP3). This variant is in a location that has been defined by the ClinGen RASopathy Expert Panel to be a critical functional domain of MAP2K2 (PM1, AA 128-138). This variant has been identified in at least 4 patients with RASopathy (PS4_Moderate; PMID: 18413255, 18039235, 21062266, 23885229). ERK phosphorylation assays showed that this variant led to increased phosphorylation compared to wild-type (PS3_Supporting; PMID: 17981815, 18413255). In summary, this variant meets criteria to be classified as likely pathogenic for autosomal dominant RASopathies based on the ACMG/AMP criteria applied, as specified by the ClinGen RASopathy Variant Curation Expert Panel: PS4_Moderate, PM1, PS3_Supporting, PM2_Supporting, PP3 (Specification Version 2.3, 12/3/2024)

Ambry Genetics
Classification: Pathogenic for Cardiovascular phenotype. Last evaluated: 2026-06-09. Review status: criteria provided, single submitter. Criteria: Ambry Variant Classification Scheme 2023. Collection method: clinical testing. Allele origin: germline. Not counted in ClinVar's aggregate classification.
Comment: The p.Y134C pathogenic mutation (also known as c.401A>G), located in coding exon 3 of the MAP2K2 gene, results from an A to G substitution at nucleotide position 401. The tyrosine at codon 134 is replaced by cysteine, an amino acid with highly dissimilar properties. This variant was reported in individual(s) with features consistent with MAP2K2-related RASopathy (Yoon G et al. Dev Med Child Neurol. 2007 Dec;49(12):894-9; Croonen EA et al. Mol Syndromol, 2013 Jun;4:227-34; Pierpont EI et al. Genet Med, 2022 Jul;24:1556-1566). Other variant(s) at the same codon, p.Y134H (c.400T>C), have been identified in individual(s) with features consistent with MAP2K2-related RASopathy (Nystr&ouml;m AM et al. J Med Genet. 2008 Aug;45(8):500-6). Other variant(s) resulting in the same amino acid change in paralogous genes (MAP2K1 p.Y130C) have been identified in individual(s) with features consistent with MAP2K1-related RASopathy (Pierpont EI et al. Am J Med Genet A. 2017;173(2):452-459; Ambry internal data). In assays testing MAP2K2 function, this variant showed functionally abnormal results (Rodriguez-Viciana P et al. Methods Enzymol, 2008;438:277-89; Senawong T et al. Hum Mol Genet, 2008 Feb;17:419-30). This amino acid position is highly conserved in available vertebrate species. In addition, this alteration is predicted to be deleterious by in silico analysis. This variant is considered to be rare based on population cohorts in the Genome Aggregation Database (gnomAD). Based on the supporting evidence, this variant is interpreted as a disease-causing mutation.

Women's Health and Genetics/Laboratory Corporation of America, LabCorp
Classification: Pathogenic for Cardio-facio-cutaneous syndrome. Last evaluated: 2025-12-15. Review status: criteria provided, single submitter. Criteria: LabCorp Variant Classification Summary - May 2015. Collection method: clinical testing. Allele origin: germline. Not counted in ClinVar's aggregate classification.
Comment: Variant summary: MAP2K2 c.401A>G (p.Tyr134Cys) results in a non-conservative amino acid change in the encoded protein sequence. Algorithms developed to predict the effect of missense changes on protein structure and function all suggest that this variant is likely to be disruptive. The variant was absent in 251182 control chromosomes. c.401A>G has been observed in multiple individuals affected with Cardiofaciocutaneous Syndrome (example: Yoon_2007, Siegel_2011, Croonen_2013, VanTrier_2015, Pierpont_2022). These data indicate that the variant is very likely to be associated with disease. The following publications have been ascertained in the context of this evaluation (PMID: 18039235, 23885229, 35524774, 25862627, 21062266). ClinVar contains an entry for this variant (Variation ID: 177868). Based on the evidence outlined above, the variant was classified as pathogenic.

The Central Laboratory of Birth Defects Prevention and Control, The Affiliated Women and Children's Hospital of Ningbo University
Classification: Likely pathogenic for Cardiofaciocutaneous syndrome 4. Last evaluated: 2025-11-28. Review status: criteria provided, single submitter. Criteria: ACMG Guidelines, 2015. Collection method: clinical testing. Allele origin: maternal. Affected: yes. Not counted in ClinVar's aggregate classification.
Comment: The c.401A>G variant in the MAP2K2 gene is not present in gnomAD. This variant has been identified in at least 6 patients with Noonan Syndrome or Cardiofaciocutaneous syndrome (PMID: 23885229, 25862627, 29752777, 35524774). ERK phosphorylation assays showed that this variant led to increased phosphorylation compared to wild-type (PMID: 17981815, 18413255). This variant is located within the key functional domain of MAP2K2 (AA 128-138). This variant has been reported in ClinVar as likely pathogenic (Accession: VCV000177868.56). For these reasons, this variant has been classified as Likely Pathogenic.

Labcorp Genetics (formerly Invitae), Labcorp
Classification: Pathogenic for RASopathy. Last evaluated: 2025-10-05. Review status: criteria provided, single submitter. Criteria: Invitae Variant Classification Sherloc (09022015). Collection method: clinical testing. Allele origin: germline. Not counted in ClinVar's aggregate classification.
Comment: This sequence change replaces tyrosine, which is neutral and polar, with cysteine, which is neutral and slightly polar, at codon 134 of the MAP2K2 protein (p.Tyr134Cys). This variant is not present in population databases (gnomAD no frequency). This missense change has been observed in individuals with cardio-facio-cutaneous syndrome (PMID: 18039235, 18413255, 23885229). This variant is also known as MEK2 Y134C. ClinVar contains an entry for this variant (Variation ID: 177868). Invitae Evidence Modeling incorporating data from in vitro experimental studies (internal data) indicates that this missense variant is not expected to disrupt MAP2K2 function with a negative predictive value of 95%. Experimental studies have shown that this missense change affects MAP2K2 function (PMID: 17981815, 18413255, 19376813). For these reasons, this variant has been classified as Pathogenic.

Blueprint Genetics
Classification: Pathogenic for MAP2K2-related disorders. Last evaluated: 2023-04-24. Review status: criteria provided, single submitter. Criteria: ACMG Guidelines, 2015. Collection method: clinical testing. Allele origin: germline. Affected: yes. Observed: 2 variant alleles. Not counted in ClinVar's aggregate classification.

GeneDx
Classification: Pathogenic. Last evaluated: 2022-07-22. Review status: criteria provided, single submitter. Criteria: GeneDx Variant Classification Process June 2021. Collection method: clinical testing. Allele origin: germline. Affected: yes. Not counted in ClinVar's aggregate classification.
Comment: Published functional studies demonstrate a damaging effect in which the variant causes increased kinase activity and activation of downstream effectors (MEK and ERK), indicating a gain of function (Rodriguez-Viciana et al., 2008); Not observed at significant frequency in large population cohorts (gnomAD); In silico analysis supports that this missense variant has a deleterious effect on protein structure/function; Missense variants in this gene are often considered pathogenic (HGMD); This variant is associated with the following publications: (PMID: 24803665, 29752777, 25370473, 22753777, 19156172, 26399658, 22177953, 29493581, 18042262, 18413255)

Laboratory for Molecular Medicine, Mass General Brigham Personalized Medicine
Classification: Likely pathogenic for Noonan syndrome; Cardio-facio-cutaneous syndrome. Last evaluated: 2018-02-15. Review status: criteria provided, single submitter. Criteria: LMM Criteria. Collection method: clinical testing. Allele origin: germline. Observed: 1 variant allele. Not counted in ClinVar's aggregate classification.
Comment: proposed classification - variant undergoing re-assessment, contact laboratory

GeneReviews
No classification provided. Condition: Cardio-facio-cutaneous syndrome. Review status: no classification provided. Collection method: literature only. Allele origin: germline. Affected: yes. Not counted in ClinVar's aggregate classification.

Molecular Genetics, Centre for Human Genetics
Classification: Pathogenic for Noonan syndrome 1. Review status: no assertion criteria provided. Collection method: clinical testing. Allele origin: de novo. Inheritance: Autosomal dominant inheritance. Affected: yes. Observed: 1 variant allele. Not counted in ClinVar's aggregate classification.

Literature cited by the submitters: PubMed 17981815 (cited by 4 submitters); PubMed 18413255 (cited by 4 submitters); PubMed 19376813 (cited by Ambry Genetics and Labcorp Genetics (formerly Invitae), Labcorp); PubMed 21062266 (cited by Ambry Genetics and Women's Health and Genetics/Laboratory Corporation of America, LabCorp); PubMed 23885229 (cited by 4 submitters); PubMed 25862627 (cited by 3 submitters); PubMed 29752777 (cited by Ambry Genetics and The Central Laboratory of Birth Defects Prevention and Control, The Affiliated Women and Children's Hospital of Ningbo University); PubMed 35524774 (cited by 3 submitters); PubMed 18039235 (cited by 3 submitters); NCBI Bookshelf NBK1186 (cited by GeneReviews).

NM_030662.4(MAP2K2):c.401A>G (p.Tyr134Cys)

Gene: MAP2K2 (mitogen-activated protein kinase kinase 2; minus strand). Cytogenetic location: 19p13.3.
Variant type: single nucleotide variant.
Coding change: c.401A>G on transcript NM_030662.4 (MANE Select); coding-DNA position 401, A replaced by G.
Protein change: p.Tyr134Cys; replaces tyrosine 134 with cysteine.
Molecular consequence: missense variant.
Genome position (GRCh38, 1-based): chr19:4,110,558, T>C on the plus strand (A>G on the coding strand, the complement: MAP2K2 is on the minus strand). VCF-style: chr19-4110558-T-C. GRCh37 (hg19) VCF-style: chr19-4110556-T-C.
Other names: NM_030662.3(MAP2K2):c.401A>G; NM_030662.4(MAP2K2):c.401A>G; short protein forms Y134C.
Identifiers: ClinVar variation 177868 (VCV000177868.59), dbSNP rs727504370, ClinGen allele CA180890.